The following is an entry in ClinVar:

NM_004385.5(VCAN):c.3931C>T (p.Gln1311Ter)

Gene: VCAN (versican; plus strand). Cytogenetic location: 5q14.3.
Variant type: single nucleotide variant.
Coding change: c.3931C>T on transcript NM_004385.5 (MANE Select); coding-DNA position 3931, C replaced by T.
Protein change: p.Gln1311Ter; replaces glutamine 1311 with a stop codon.
Molecular consequence: nonsense. On other transcripts: intron variant (2).
Genome position (GRCh38, 1-based): chr5:83,522,237, C>T. VCF-style: chr5-83522237-C-T. GRCh37 (hg19) VCF-style: chr5-82818056-C-T.
Other names: c.3931C>T, p.Gln1311Ter (NM_001164098.2); c.1042+9841C>T (NM_001164097.2, NM_001126336.3); short protein forms Q1311*.
Identifiers: ClinVar variation 2021740 (VCV002021740.4), dbSNP rs1746137202, ClinGen allele CA360307116.

ClinVar aggregate classification (germline): Uncertain significance (1 of 4 stars; one submission).

Allele frequency attached by ClinVar (database versions not stated): gnomAD exomes below 0.00001; gnomAD 0.00001.
gnomAD v4.1: 2 of 1,600,728 alleles (0.00012%); highest among the groups gnomAD compares: Non-Finnish European, 0.00017%; no homozygotes.

Submission:

Labcorp Genetics (formerly Invitae), Labcorp
Classification: Uncertain significance. Last evaluated: 2025-11-10. Review status: criteria provided, single submitter. Criteria: Invitae Variant Classification Sherloc (09022015). Collection method: clinical testing. Allele origin: germline.
Comment: This sequence change creates a premature translational stop signal (p.Gln1311*) in the VCAN gene. It is expected to result in an absent or disrupted protein product. However, the current clinical and genetic evidence is not sufficient to establish whether loss-of-function variants in VCAN cause disease. This variant is not present in population databases (gnomAD no frequency). This variant has not been reported in the literature in individuals affected with VCAN-related conditions. ClinVar contains an entry for this variant (Variation ID: 2021740). Experimental studies and prediction algorithms are not available or were not evaluated, and the functional significance of this variant is currently unknown. In summary, the available evidence is currently insufficient to determine the role of this variant in disease. Therefore, it has been classified as a Variant of Uncertain Significance.